The following is an entry in ClinVar:

NM_022124.6(CDH23):c.2113G>A (p.Gly705Ser)

Gene: CDH23 (cadherin related 23; plus strand). Cytogenetic location: 10q22.1.
Variant type: single nucleotide variant.
Coding change: c.2113G>A on transcript NM_022124.6 (MANE Select); coding-DNA position 2113, G replaced by A.
Protein change: p.Gly705Ser; replaces glycine 705 with serine.
Molecular consequence: missense variant.
Genome position (GRCh38, 1-based): chr10:71,690,521, G>A. VCF-style: chr10-71690521-G-A. GRCh37 (hg19) VCF-style: chr10-73450278-G-A.
Other names: c.2113G>A, p.Gly705Ser (NM_001171930.2, NM_001171931.2); c.2113G>A (NM_022124.5); short protein forms G705S.
Identifiers: ClinVar variation 1415702 (VCV001415702.7), dbSNP rs752870162, ClinGen allele CA5544095.
Genomic context (GRCh38, chr10:71,690,521, plus strand): 5'-CCTGAAGGAGCCACGGTGCTGTTCCTGAATGCCACAGACCTGGACCGCTCCCGGGAGTAC[G>A]GCCAGGAGTCCATCATCTACTCCTTGGAAGGCTCCACCCAGTTTCGGATCAATGCCCGCT-3'
Protein context (NP_071407.4, residues 695-715): ATDLDRSREY[Gly705Ser]QESIIYSLEG

ClinVar aggregate classification (germline): Uncertain significance. Review status: criteria provided, multiple submitters, no conflicts (2 of 4 stars). 3 submissions from 3 submitters: Uncertain significance (3). Last evaluated 2026-06-17.

Conditions:
Inborn genetic diseases. Identifiers: MedGen C0950123, MeSH D030342.

Allele frequency attached by ClinVar (database versions not stated): ExAC 0.00003; gnomAD 0.00004 and 0.00003; TOPMed 0.00003; gnomAD exomes 0.00001.
gnomAD v4.1: 10 of 1,611,508 alleles (0.00062%); highest among the groups gnomAD compares: African/African-American, 0.0053%; no homozygotes.

Submissions (3):

Ambry Genetics
Classification: Uncertain significance for Inborn genetic diseases. Last evaluated: 2026-06-17. Review status: criteria provided, single submitter. Criteria: Ambry Variant Classification Scheme 2023. Collection method: clinical testing. Allele origin: germline.

Labcorp Genetics (formerly Invitae), Labcorp
Classification: Uncertain significance. Last evaluated: 2024-10-08. Review status: criteria provided, single submitter. Criteria: Invitae Variant Classification Sherloc (09022015). Collection method: clinical testing. Allele origin: germline.
Comment: This sequence change replaces glycine, which is neutral and non-polar, with serine, which is neutral and polar, at codon 705 of the CDH23 protein (p.Gly705Ser). The frequency data for this variant in the population databases is considered unreliable, as metrics indicate poor data quality at this position in the gnomAD database. This variant has not been reported in the literature in individuals affected with CDH23-related conditions. ClinVar contains an entry for this variant (Variation ID: 1415702). Invitae Evidence Modeling of protein sequence and biophysical properties (such as structural, functional, and spatial information, amino acid conservation, physicochemical variation, residue mobility, and thermodynamic stability) has been performed for this missense variant. However, the output from this modeling did not meet the statistical confidence thresholds required to predict the impact of this variant on CDH23 protein function. In summary, the available evidence is currently insufficient to determine the role of this variant in disease. Therefore, it has been classified as a Variant of Uncertain Significance.

Blueprint Genetics
Classification: Uncertain significance. Last evaluated: 2024-06-24. Review status: criteria provided, single submitter. Criteria: ACMG Guidelines, 2015. Collection method: clinical testing. Allele origin: germline.